The following is an entry in ClinVar:

ClinVar aggregate classification (germline): Pathogenic. Review status: criteria provided, multiple submitters, no conflicts (2 of 4 stars). 2 submissions from 2 submitters: Pathogenic (2). Last evaluated 2026-07-09.

Conditions:
Early-infantile DEE. Also called: Early infantile epileptic encephalopathy with suppression bursts; Early infantile epileptic encephalopathy; Ohtahara syndrome. Identifiers: Orphanet 1934, MedGen C0393706, MONDO:0800491.
Generalized epilepsy with febrile seizures plus, type 2 (GEFSP2). Also called: GEFS+, TYPE 2. Identifiers: Orphanet 36387, MedGen C1858673, MONDO:0011461, OMIM 604403.

Submissions (2):

Institute of Human Genetics, University of Leipzig Medical Center
Classification: Pathogenic for Generalized epilepsy with febrile seizures plus, type 2. Last evaluated: 2026-07-09. Review status: criteria provided, single submitter. Criteria: ACMG Guidelines, 2015. Collection method: clinical testing. Allele origin: de novo. Inheritance: Autosomal dominant inheritance. Affected: yes.
Comment: Criteria applied: PVS1,PS4,PS1_SUP,PM2_SUP

Labcorp Genetics (formerly Invitae), Labcorp
Classification: Pathogenic for Early-infantile DEE. Last evaluated: 2022-07-16. Review status: criteria provided, single submitter. Criteria: Invitae Variant Classification Sherloc (09022015). Collection method: clinical testing. Allele origin: germline.
Comment: For these reasons, this variant has been classified as Pathogenic. Algorithms developed to predict the effect of sequence changes on RNA splicing suggest that this variant may disrupt the consensus splice site. Disruption of this splice site has been observed in individual(s) with Dravet syndrome (PMID: 23762420). In at least one individual the variant was observed to be de novo. This variant is not present in population databases (gnomAD no frequency). This sequence change affects a donor splice site in intron 12 of the SCN1A gene. It is expected to disrupt RNA splicing. Variants that disrupt the donor or acceptor splice site typically lead to a loss of protein function (PMID: 16199547), and loss-of-function variants in SCN1A are known to be pathogenic (PMID: 17347258, 18930999).

Literature cited by the submitters: PubMed 23762420 (cited by Labcorp Genetics (formerly Invitae), Labcorp); PubMed 16199547 (cited by Labcorp Genetics (formerly Invitae), Labcorp); PubMed 17347258 (cited by Labcorp Genetics (formerly Invitae), Labcorp); PubMed 18930999 (cited by Labcorp Genetics (formerly Invitae), Labcorp).

NM_001165963.4(SCN1A):c.2176+1G>A

Gene: SCN1A (sodium voltage-gated channel alpha subunit 1; minus strand). Cytogenetic location: 2q24.3.
Variant type: single nucleotide variant.
Coding change: c.2176+1G>A on transcript NM_001165963.4 (MANE Select); the canonical splice donor site of the intron after coding-DNA position 2176, G replaced by A.
Molecular consequence: splice donor variant.
Genome position (GRCh38, 1-based): chr2:166,042,291, C>T on the plus strand (G>A on the coding strand, the complement: SCN1A is on the minus strand). VCF-style: chr2-166042291-C-T. GRCh37 (hg19) VCF-style: chr2-166898801-C-T.
Other names: c.2143+1G>A (NM_001353951.2, NM_001353952.2, NM_006920.6 and 2 more transcripts); c.2176+1G>A (NM_001353948.2, NM_001202435.3); c.2089+1G>A (NM_001353960.2); c.2140+1G>A (NM_001353954.2, NM_001353955.2); c.2092+1G>A (NM_001165964.3, NM_001353958.2, NM_001353957.2); c.-283+1G>A (NM_001353961.2).
Identifiers: ClinVar variation 2151944 (VCV002151944.6), dbSNP rs2105834651, ClinGen allele CA349065523.